The following is an entry in ClinVar:

NM_006231.4(POLE):c.6520T>G (p.Ser2174Ala)

Gene: POLE (DNA polymerase epsilon, catalytic subunit; minus strand). Cytogenetic location: 12q24.33.
Variant type: single nucleotide variant.
Coding change: c.6520T>G on transcript NM_006231.4 (MANE Select); coding-DNA position 6520, T replaced by G.
Protein change: p.Ser2174Ala; replaces serine 2174 with alanine.
Molecular consequence: missense variant.
Genome position (GRCh38, 1-based): chr12:132,626,128, A>C on the plus strand (T>G on the coding strand, the complement: POLE is on the minus strand). VCF-style: chr12-132626128-A-C. GRCh37 (hg19) VCF-style: chr12-133202714-A-C.
Other names: short protein forms S2174A.
Identifiers: ClinVar variation 4844275 (VCV004844275.1).

ClinVar aggregate classification (germline): Uncertain significance (1 of 4 stars; one submission).

Conditions:
Hereditary cancer-predisposing syndrome. Also called: Neoplastic Syndromes, Hereditary; Tumor predisposition; Hereditary Cancer Syndrome; Hereditary neoplastic syndrome. Identifiers: Orphanet 140162, MedGen C0027672, MeSH D009386, MONDO:0015356.

Submission:

Ambry Genetics
Classification: Uncertain significance for Hereditary cancer-predisposing syndrome. Last evaluated: 2026-02-13. Review status: criteria provided, single submitter. Criteria: Ambry Variant Classification Scheme 2023. Collection method: clinical testing. Allele origin: germline.
Comment: The p.S2174A variant (also known as c.6520T>G), located in coding exon 46 of the POLE gene, results from a T to G substitution at nucleotide position 6520. The serine at codon 2174 is replaced by alanine, an amino acid with similar properties. This amino acid position is conserved. In addition, this alteration is predicted to be tolerated by in silico analysis. Based on the available evidence, the clinical significance of this variant remains unclear.